The following is an entry in ClinVar:

NM_181783.4(TMTC3):c.2335G>A (p.Val779Ile)

Gene: TMTC3 (transmembrane O-mannosyltransferase targeting cadherins 3; plus strand). Cytogenetic location: 12q21.32.
Variant type: single nucleotide variant.
Coding change: c.2335G>A on transcript NM_181783.4 (MANE Select); coding-DNA position 2335, G replaced by A.
Protein change: p.Val779Ile; replaces valine 779 with isoleucine.
Molecular consequence: missense variant. On other transcripts: non-coding transcript variant (1).
Genome position (GRCh38, 1-based): chr12:88,195,239, G>A. VCF-style: chr12-88195239-G-A. GRCh37 (hg19) VCF-style: chr12-88589016-G-A.
Other names: c.2155G>A, p.Val719Ile (NM_001366574.1); c.2116G>A, p.Val706Ile (NM_001366579.1); c.2068G>A, p.Val690Ile (NM_001366580.1); c.1642G>A, p.Val548Ile (NM_001366583.1); short protein forms V548I, V690I, V719I, V706I, V779I.
Identifiers: ClinVar variation 1448837 (VCV001448837.5), dbSNP rs767559568, ClinGen allele CA6713461.

ClinVar aggregate classification (germline): Uncertain significance (1 of 4 stars; one submission).

Allele frequency attached by ClinVar (database versions not stated): TOPMed 0.00002; gnomAD 0.00003; ExAC 0.00004; gnomAD exomes 0.00006.

Submission:

Labcorp Genetics (formerly Invitae), Labcorp
Classification: Uncertain significance. Last evaluated: 2023-10-13. Review status: criteria provided, single submitter. Criteria: Invitae Variant Classification Sherloc (09022015). Collection method: clinical testing. Allele origin: germline.
Comment: This sequence change replaces valine, which is neutral and non-polar, with isoleucine, which is neutral and non-polar, at codon 779 of the TMTC3 protein (p.Val779Ile). This variant is present in population databases (rs767559568, gnomAD 0.05%). This variant has not been reported in the literature in individuals affected with TMTC3-related conditions. ClinVar contains an entry for this variant (Variation ID: 1448837). An algorithm developed to predict the effect of missense changes on protein structure and function (PolyPhen-2) suggests that this variant is likely to be disruptive. In summary, the available evidence is currently insufficient to determine the role of this variant in disease. Therefore, it has been classified as a Variant of Uncertain Significance.